The following is an entry in ClinVar:

NM_001204375.2(NPR3):c.342_347del (p.Phe114_Ser115del)

Genes: NPR3 (natriuretic peptide receptor 3; plus strand), LOC123493284 (Sharpr-MPRA regulatory region 158; plus strand). Cytogenetic location: 5p13.3.
Variant type: Deletion.
Coding change: c.342_347del on transcript NM_001204375.2 (MANE Select); coding-DNA positions 342 to 347, 6 bases deleted (CAGCTT; older notation c.342_347delCAGCTT).
Protein change: p.Phe114_Ser115del.
Molecular consequence: inframe deletion. On other transcripts: intron variant (4).
Genome position (GRCh38, 1-based): chr5:32,712,118-32,712,123, CAGCTT deleted; deleting any 6 consecutive bases within chr5:32,712,115-32,712,123 gives the same sequence; the c. name uses the placement nearest the transcript's 3' end. VCF-style (leftmost placement, unchanged base first): chr5-32712114-TCTTCAG-T. GRCh37 (hg19) VCF-style: chr5-32712220-TCTTCAG-T.
Other names: c.342_347del, p.Phe114_Ser115del (NM_000908.4); c.50-12580_50-12575del (NM_001364458.2); c.121+1335_121+1340del (NM_001363652.2, NM_001204376.2, NM_001364460.2).
Identifiers: ClinVar variation 2015311 (VCV002015311.4), dbSNP rs2478214527, ClinGen allele CA2580073162.

ClinVar aggregate classification (germline): Uncertain significance (1 of 4 stars; one submission).

Submission:

Labcorp Genetics (formerly Invitae), Labcorp
Classification: Uncertain significance. Last evaluated: 2022-07-09. Review status: criteria provided, single submitter. Criteria: Invitae Variant Classification Sherloc (09022015). Collection method: clinical testing. Allele origin: germline.
Comment: This variant, c.342_347del, results in the deletion of 2 amino acid(s) of the NPR3 protein (p.Phe114_Ser115del), but otherwise preserves the integrity of the reading frame. This variant is not present in population databases (gnomAD no frequency). In summary, the available evidence is currently insufficient to determine the role of this variant in disease. Therefore, it has been classified as a Variant of Uncertain Significance. Experimental studies and prediction algorithms are not available or were not evaluated, and the functional significance of this variant is currently unknown. This variant has not been reported in the literature in individuals affected with NPR3-related conditions.